The following is an entry in ClinVar:

NM_000138.5(FBN1):c.2121T>A (p.Tyr707Ter)

Gene: FBN1 (fibrillin 1; minus strand). Cytogenetic location: 15q21.1.
Variant type: single nucleotide variant.
Coding change: c.2121T>A on transcript NM_000138.5 (MANE Select); coding-DNA position 2121, T replaced by A.
Protein change: p.Tyr707Ter; replaces tyrosine 707 with a stop codon.
Molecular consequence: nonsense.
Genome position (GRCh38, 1-based): chr15:48,499,031, A>T on the plus strand (T>A on the coding strand, the complement: FBN1 is on the minus strand). VCF-style: chr15-48499031-A-T. GRCh37 (hg19) VCF-style: chr15-48791228-A-T.
Other names: c.2121T>A, p.Tyr707Ter (NM_001406716.1); short protein forms Y707*.
Identifiers: ClinVar variation 1786255 (VCV001786255.2), dbSNP rs2505580471, ClinGen allele CA392336401.

ClinVar aggregate classification (germline): Pathogenic (1 of 4 stars; one submission).

Conditions:
Familial thoracic aortic aneurysm and aortic dissection (TAAD). Also called: Thoracic aortic aneurysms and dissections. Identifiers: Orphanet 91387, MedGen C4707243, MONDO:0019625.

Submission:

Ambry Genetics
Classification: Pathogenic for Familial thoracic aortic aneurysm and aortic dissection. Last evaluated: 2019-11-19. Review status: criteria provided, single submitter. Criteria: Ambry Variant Classification Scheme 2023. Collection method: clinical testing. Allele origin: germline.
Comment: The p.Y707* pathogenic mutation (also known as c.2121T>A), located in coding exon 17 of the FBN1 gene, results from a T to A substitution at nucleotide position 2121. This changes the amino acid from a tyrosine to a stop codon within coding exon 17. This alteration is expected to result in loss of function by premature protein truncation or nonsense-mediated mRNA decay. As such, this alteration is interpreted as a disease-causing mutation.